The following is an entry in ClinVar:

ClinVar aggregate classification (germline): Likely pathogenic (1 of 4 stars; one submission).

Conditions:
Developmental and epileptic encephalopathy, 17 (DEE17). Also called: Early infantile epileptic encephalopathy 17. Identifiers: Orphanet 1934, MedGen C3809606, MONDO:0014199, OMIM 615473.

Submission:

Victorian Clinical Genetics Services, Murdoch Childrens Research Institute
Classification: Likely pathogenic for Developmental and epileptic encephalopathy, 17. Last evaluated: 2020-05-25. Review status: criteria provided, single submitter. Criteria: ACMG Guidelines, 2015. Collection method: clinical testing. Allele origin: germline. Inheritance: Autosomal dominant inheritance.
Comment: Based on the classification scheme VCGS_Germline_v1.1.1, this variant is classified as likely pathogenic. Following criteria are met: 0103 - Both loss- and gain-of-function are known mechanisms of disease for this gene. Loss of function mutations cause epileptic encephalopathy, while gain of function cause a neurodevelopmental disorder (OMIM, PMID: 28747448) (N) 0107 - This gene is known to be associated with autosomal dominant disease. (N) 0213 - In-frame deletion in a non-repetitive region that has high conservation (exon 8). (P) 0251 - Variant is heterozygous. (N) 0301 - Variant is absent from gnomAD. (P) 0603 - Missense variant in a region that is highly intolerant to missense variation (high constraint region). (P) 0705 - No comparable variants have previous evidence for pathogenicity. (N) 0807 - Variant has not previously been reported in a clinical context. (N) 0905 - No segregation evidence has been identified for this variant. (N) 1007 - No published functional evidence has been identified for this variant. (P) Legend: (P) - Pathogenic, (N) - Neutral, (B) - Benign

Literature cited by the submitters: PubMed 28747448.

NM_020988.3(GNAO1):c.1021_1023del (p.Asp341del)

Gene: GNAO1 (G protein subunit alpha o1; plus strand). Cytogenetic location: 16q13.
Variant type: Deletion.
Coding change: c.1021_1023del on transcript NM_020988.3 (MANE Select); coding-DNA positions 1021 to 1023, 3 bases deleted (GAC; older notation c.1021_1023delGAC).
Protein change: p.Asp341del; deletes aspartic acid 341.
Molecular consequence: inframe deletion.
Genome position (GRCh38, 1-based): chr16:56,355,009-56,355,011, GAC deleted; deleting any 3 consecutive bases within chr16:56,355,008-56,355,011 gives the same sequence; the c. name uses the placement nearest the transcript's 3' end. VCF-style (leftmost placement, unchanged base first): chr16-56355007-CCGA-C. GRCh37 (hg19) VCF-style: chr16-56388919-CCGA-C.
Other names: short protein forms D341del.
Identifiers: ClinVar variation 1805317 (VCV001805317.1), dbSNP rs2543432175, ClinGen allele CA923726132.